The following is an entry in ClinVar:

ClinVar aggregate classification (germline): Benign/Likely benign. Review status: criteria provided, multiple submitters, no conflicts (2 of 4 stars). 4 submissions from 4 submitters: Benign (2); Likely benign (1). 1 of the submissions does not count toward it. Last evaluated 2026-01-25.

Conditions:
Tenorio syndrome (TNORS). Also called: OVERGROWTH, MACROCEPHALY, AND INTELLECTUAL DISABILITY SYNDROME. Identifiers: MedGen C4015710, MONDO:0014553, OMIM 616260.
RNF125-related disorder. Also called: RNF125-related condition.

Allele frequency attached by ClinVar (database versions not stated): TOPMed 0.00713; gnomAD exomes 0.00064 and 0.00167; 1000 Genomes Project 30x 0.00671; ExAC 0.00207; ESP Exome Variant Server 0.00700; gnomAD 0.00732 and 0.00664; 1000 Genomes Project 0.00599.
gnomAD v4.1: 1,956 of 1,611,658 alleles (0.12%); highest among the groups gnomAD compares: African/African-American, 2.3%; 24 homozygotes.

Submissions (4):

Labcorp Genetics (formerly Invitae), Labcorp
Classification: Benign for Tenorio syndrome. Last evaluated: 2026-01-25. Review status: criteria provided, single submitter. Criteria: Invitae Variant Classification Sherloc (09022015). Collection method: clinical testing. Allele origin: germline.

Fulgent Genetics
Classification: Likely benign for Tenorio syndrome. Last evaluated: 2021-09-13. Review status: criteria provided, single submitter. Criteria: ACMG Guidelines, 2015. Collection method: clinical testing. Allele origin: unknown.

Breakthrough Genomics
Classification: Benign. Review status: criteria provided, single submitter. Criteria: ACMG Guidelines, 2015. Collection method: not provided. Allele origin: germline. Inheritance: Autosomal dominant inheritance. Affected: yes.

PreventionGenetics, part of Exact Sciences
Classification: Benign for RNF125-related condition. Last evaluated: 2019-10-11. Review status: no assertion criteria provided. Collection method: clinical testing. Allele origin: germline. Not counted in ClinVar's aggregate classification.
Comment: This variant is classified as benign based on ACMG/AMP sequence variant interpretation guidelines (Richards et al. 2015 PMID: 25741868, with internal and published modifications).

NM_017831.4(RNF125):c.489G>A (p.Ser163=)

Gene: RNF125 (ring finger protein 125; plus strand). Cytogenetic location: 18q12.1.
Variant type: single nucleotide variant.
Coding change: c.489G>A on transcript NM_017831.4 (MANE Select); coding-DNA position 489, G replaced by A.
Protein change: p.Ser163=; no amino-acid change (serine 163 retained).
Molecular consequence: synonymous variant.
Genome position (GRCh38, 1-based): chr18:32,045,717, G>A. VCF-style: chr18-32045717-G-A. GRCh37 (hg19) VCF-style: chr18-29625680-G-A.
Identifiers: ClinVar variation 772145 (VCV000772145.14), dbSNP rs79205763, ClinGen allele CA8930506.